The following is an entry in ClinVar:

ClinVar aggregate classification (germline): Likely benign (1 of 4 stars; one submission).

Allele frequency attached by ClinVar (database versions not stated): gnomAD exomes 0.00015; ExAC 0.00046.

Submission:

CeGaT Center for Human Genetics Tuebingen
Classification: Likely benign. Last evaluated: 2026-07-01. Review status: criteria provided, single submitter. Criteria: CeGaT Center For Human Genetics Tuebingen Variant Classification Criteria Version 2. Collection method: clinical testing. Allele origin: germline. Affected: yes. Observed: 9 variant alleles.
Comment: AHNAK2: BP4, BP7

NM_138420.4(AHNAK2):c.3081G>A (p.Lys1027=)

Gene: AHNAK2 (AHNAK nucleoprotein 2; minus strand). Cytogenetic location: 14q32.33.
Variant type: single nucleotide variant.
Coding change: c.3081G>A on transcript NM_138420.4 (MANE Select); coding-DNA position 3081, G replaced by A.
Protein change: p.Lys1027=; no amino-acid change (lysine 1027 retained).
Molecular consequence: synonymous variant.
Genome position (GRCh38, 1-based): chr14:104,952,370, C>T on the plus strand (G>A on the coding strand, the complement: AHNAK2 is on the minus strand). VCF-style: chr14-104952370-C-T. GRCh37 (hg19) VCF-style: chr14-105418707-C-T.
Other names: c.2781G>A, p.Lys927= (NM_001350929.2).
Identifiers: ClinVar variation 2644865 (VCV002644865.24), dbSNP rs373716867, ClinGen allele CA7383232.